The following is an entry in ClinVar:

NM_020964.3(EPG5):c.29G>A (p.Arg10Gln)

Gene: EPG5 (ectopic P-granules 5 autophagy tethering factor; minus strand). Cytogenetic location: 18q21.1.
Variant type: single nucleotide variant.
Coding change: c.29G>A on transcript NM_020964.3 (MANE Select); coding-DNA position 29, G replaced by A.
Protein change: p.Arg10Gln; replaces arginine 10 with glutamine.
Molecular consequence: missense variant.
Genome position (GRCh38, 1-based): chr18:45,967,211, C>T on the plus strand (G>A on the coding strand, the complement: EPG5 is on the minus strand). VCF-style: chr18-45967211-C-T. GRCh37 (hg19) VCF-style: chr18-43547177-C-T.
Other names: c.29G>A, p.Arg10Gln (NM_001410858.1, NM_001410859.1); short protein forms R10Q.
Identifiers: ClinVar variation 2141572 (VCV002141572.1), dbSNP rs766375417, ClinGen allele CA8950039.

ClinVar aggregate classification (germline): Uncertain significance (1 of 4 stars; one submission).

Conditions:
Vici syndrome (VICIS). Identifiers: Orphanet 1493, MedGen C1855772, MONDO:0009452, OMIM 242840.

Allele frequency attached by ClinVar (database versions not stated): ExAC 0.00001.
gnomAD v4.1: 3 of 1,605,684 alleles (0.00019%); highest among the groups gnomAD compares: East Asian, 0.0022%; no homozygotes.

Submission:

Labcorp Genetics (formerly Invitae), Labcorp
Classification: Uncertain significance for Vici syndrome. Last evaluated: 2022-06-17. Review status: criteria provided, single submitter. Criteria: Invitae Variant Classification Sherloc (09022015). Collection method: clinical testing. Allele origin: germline.
Comment: This sequence change replaces arginine, which is basic and polar, with glutamine, which is neutral and polar, at codon 10 of the EPG5 protein (p.Arg10Gln). The frequency data for this variant in the population databases is considered unreliable, as metrics indicate poor data quality at this position in the gnomAD database. This variant has not been reported in the literature in individuals affected with EPG5-related conditions. Algorithms developed to predict the effect of missense changes on protein structure and function are either unavailable or do not agree on the potential impact of this missense change (SIFT: "Tolerated"; PolyPhen-2: "Probably Damaging"; Align-GVGD: "Class C0"). In summary, the available evidence is currently insufficient to determine the role of this variant in disease. Therefore, it has been classified as a Variant of Uncertain Significance.